The following is an entry in ClinVar:

ClinVar aggregate classification (germline): Pathogenic (1 of 4 stars; one submission).

Conditions:
Curry-Hall syndrome (WAD). Also called: WEYERS ACRODENTAL DYSOSTOSIS. Identifiers: Orphanet 952, MedGen C0457013, MONDO:0008673, OMIM 193530.
Ellis-van Creveld syndrome (EVC). Also called: MESOECTODERMAL DYSPLASIA; EVC-Related Ellis-van Creveld Syndrome; EVC2-Related Ellis-van Creveld Syndrome; Chondroectodermal dysplasia. Identifiers: Orphanet 289, MedGen C0013903, MONDO:0009162, OMIM 225500.

Submission:

Labcorp Genetics (formerly Invitae), Labcorp
Classification: Pathogenic for Curry-Hall syndrome; Ellis-van Creveld syndrome. Last evaluated: 2022-01-18. Review status: criteria provided, single submitter. Criteria: Invitae Variant Classification Sherloc (09022015). Collection method: clinical testing. Allele origin: germline.
Comment: For these reasons, this variant has been classified as Pathogenic. This variant disrupts a region of the EVC2 protein in which other variant(s) (p.Ser1220Argfs*3) have been determined to be pathogenic (PMID: 12571802, 17024374, 19810119, 23220543). This suggests that this is a clinically significant region of the protein, and that variants that disrupt it are likely to be disease-causing. This variant has not been reported in the literature in individuals affected with EVC2-related conditions. This variant is a gross deletion of the genomic region encompassing exon(s) 18-22 of the EVC2 gene, which includes the termination codon. This deletion extends beyond the assayed region for this gene and therefore may encompass additional genes. While this deletion is not anticipated to lead to nonsense mediated decay, it is expected to alter mRNA translation or result in a truncated protein product.

Literature cited by the submitters: PubMed 12571802; PubMed 17024374; PubMed 19810119; PubMed 23220543.

NC_000004.11:g.(?_5564565)_(5578191_?)del

Gene: EVC2 (EvC ciliary complex subunit 2; minus strand). Cytogenetic location: 4p16.2.
Variant type: Deletion.
Identifiers: ClinVar variation 2427346 (VCV002427346.4).